The following is an entry in ClinVar:

NM_000179.3(MSH6):c.2811T>C (p.Tyr937=)

Gene: MSH6 (mutS homolog 6; plus strand). Cytogenetic location: 2p16.3.
Variant type: single nucleotide variant.
Coding change: c.2811T>C on transcript NM_000179.3 (MANE Select); coding-DNA position 2811, T replaced by C.
Protein change: p.Tyr937=; no amino-acid change (tyrosine 937 retained).
Molecular consequence: synonymous variant. On other transcripts: non-coding transcript variant (5), intron variant (2).
Genome position (GRCh38, 1-based): chr2:47,800,794, T>C. VCF-style: chr2-47800794-T-C. GRCh37 (hg19) VCF-style: chr2-48027933-T-C.
Other names: c.2421T>C, p.Tyr807= (NM_001281492.2); c.1905T>C, p.Tyr635= (NM_001281493.2, NM_001281494.2, NM_001406811.1 and 6 more transcripts); c.2907T>C, p.Tyr969= (NM_001406795.1, NM_001406802.1); c.2811T>C, p.Tyr937= (NM_001406796.1, NM_001406798.1, NM_001406800.1 and 2 more transcripts); c.2514T>C, p.Tyr838= (NM_001406797.1, NM_001406801.1, NM_001406805.1 and 10 more transcripts); c.2286T>C, p.Tyr762= (NM_001406799.1, NM_001406806.1, NM_001406807.1); c.2733T>C, p.Tyr911= (NM_001406804.1); c.2817T>C, p.Tyr939= (NM_001406813.1); and 4 more.
Identifiers: ClinVar variation 3903641 (VCV003903641.1).
Genomic context (GRCh38, chr2:47,800,794, plus strand): 5'-CCATGAAAAGGCTCGAAAGACTGGACTTATTACTCCCAAAGCAGGCTTTGACTCTGATTA[T>C]GACCAAGCTCTTGCTGACATAAGAGAAAATGAACAGAGCCTCCTGGAATACCTAGAGAAA-3'
Protein context (NP_000170.1, residues 927-947): ITPKAGFDSD[Tyr937=]DQALADIREN

ClinVar aggregate classification (germline): Benign (1 of 4 stars; one submission).

Conditions:
Lynch syndrome 5 (LYNCH5). Also called: Colorectal cancer, hereditary nonpolyposis, type 5; Hereditary non-polyposis colorectal cancer, type 5. Identifiers: Orphanet 144, MedGen C1833477, MONDO:0013710, OMIM 614350. Disease mechanism: loss of function.

Submission:

Myriad Genetics, Inc.
Classification: Benign for Lynch syndrome 5. Last evaluated: 2025-01-03. Review status: criteria provided, single submitter. Criteria: Myriad Autosomal Dominant, Autosomal Recessive and X-Linked Classification Criteria (2023). Collection method: clinical testing. Allele origin: unknown.
Comment: This variant is considered benign. This variant is a silent/synonymous amino acid change and it is not expected to impact splicing.